The following is an entry in ClinVar:

NM_000541.5(SAG):c.442G>A (p.Gly148Arg)

Gene: SAG (S-antigen visual arrestin; plus strand). Cytogenetic location: 2q37.1.
Variant type: single nucleotide variant.
Coding change: c.442G>A on transcript NM_000541.5 (MANE Select); coding-DNA position 442, G replaced by A.
Protein change: p.Gly148Arg; replaces glycine 148 with arginine.
Molecular consequence: missense variant.
Genome position (GRCh38, 1-based): chr2:233,327,127, G>A. VCF-style: chr2-233327127-G-A. GRCh37 (hg19) VCF-style: chr2-234235773-G-A.
Other names: short protein forms G148R.
Identifiers: ClinVar variation 1002944 (VCV001002944.9), dbSNP rs1700585059, ClinGen allele CA351047128.

ClinVar aggregate classification (germline): Uncertain significance. Review status: criteria provided, multiple submitters, no conflicts (2 of 4 stars). 2 submissions from 2 submitters: Uncertain significance (2). Last evaluated 2024-02-17.

Submissions (2):

Labcorp Genetics (formerly Invitae), Labcorp
Classification: Uncertain significance. Last evaluated: 2024-02-17. Review status: criteria provided, single submitter. Criteria: Invitae Variant Classification Sherloc (09022015). Collection method: clinical testing. Allele origin: germline.
Comment: This sequence change replaces glycine, which is neutral and non-polar, with arginine, which is basic and polar, at codon 148 of the SAG protein (p.Gly148Arg). This variant is not present in population databases (gnomAD no frequency). This missense change has been observed in individual(s) with retinitis pigmentosa (Invitae). ClinVar contains an entry for this variant (Variation ID: 1002944). Advanced modeling of protein sequence and biophysical properties (such as structural, functional, and spatial information, amino acid conservation, physicochemical variation, residue mobility, and thermodynamic stability) performed at Invitae indicates that this missense variant is not expected to disrupt SAG protein function with a negative predictive value of 80%. In summary, the available evidence is currently insufficient to determine the role of this variant in disease. Therefore, it has been classified as a Variant of Uncertain Significance.

Blueprint Genetics
Classification: Uncertain significance. Last evaluated: 2022-12-01. Review status: criteria provided, single submitter. Criteria: ACMG Guidelines, 2015. Collection method: clinical testing. Allele origin: germline.